The following is an entry in ClinVar:

NM_020831.6(MRTFA):c.2292G>A (p.Gly764=)

Gene: MRTFA (myocardin related transcription factor A; minus strand). Cytogenetic location: 22q13.1.
Variant type: single nucleotide variant.
Coding change: c.2292G>A on transcript NM_020831.6 (MANE Select); coding-DNA position 2292, G replaced by A.
Protein change: p.Gly764=; no amino-acid change (glycine 764 retained).
Molecular consequence: synonymous variant.
Genome position (GRCh38, 1-based): chr22:40,418,446, C>T on the plus strand (G>A on the coding strand, the complement: MRTFA is on the minus strand). VCF-style: chr22-40418446-C-T. GRCh37 (hg19) VCF-style: chr22-40814450-C-T.
Other names: p.Gly764=; c.1992G>A, p.Gly664= (NM_001282660.2); c.2142G>A, p.Gly714= (NM_001282661.3); c.2292G>A, p.Gly764= (NM_001282662.3); c.2097G>A, p.Gly699= (NM_001318139.2).
Identifiers: ClinVar variation 4684494 (VCV004684494.2).
Genomic context (GRCh38, chr22:40,418,446, plus strand): 5'-CCCACTGGACAGGCCAGGGCTGTCTGCATTCTTATTGGTCACGGTGAGGACAAGGTGGGT[C>T]CCTGTGGAGTCGGTGATGAGGGTGGGAGGTGCAACCCCCTTGATGAGGCTGGGGCCCTGA-3'
Protein context (NP_065882.2, residues 754-774): APPTLITDST[Gly764=]THLVLTVTNK

ClinVar aggregate classification (germline): Likely benign. Review status: criteria provided, multiple submitters, no conflicts (2 of 4 stars). 2 submissions from 2 submitters: Likely benign (2). Last evaluated 2025-10-15.

gnomAD v4.1: 13 of 1,613,876 alleles (0.00081%); highest among the groups gnomAD compares: Non-Finnish European, 0.0011%; no homozygotes.

Submissions (2):

Labcorp Genetics (formerly Invitae), Labcorp
Classification: Likely benign. Last evaluated: 2025-10-15. Review status: criteria provided, single submitter. Criteria: Invitae Variant Classification Sherloc (09022015). Collection method: clinical testing. Allele origin: germline.

Mayo Clinic Laboratories, Mayo Clinic
Classification: Likely benign. Last evaluated: 2025-08-11. Review status: criteria provided, single submitter. Criteria: ACMG Guidelines, 2015. Collection method: clinical testing. Allele origin: germline. Observed: 1 variant allele.
Comment: BP4, BP7, PM2_supporting